The following is an entry in ClinVar:

NM_001206927.2(DNAH8):c.4096A>G (p.Ile1366Val)

Gene: DNAH8 (dynein axonemal heavy chain 8; plus strand). Cytogenetic location: 6p21.2.
Variant type: single nucleotide variant.
Coding change: c.4096A>G on transcript NM_001206927.2 (MANE Select); coding-DNA position 4096, A replaced by G.
Protein change: p.Ile1366Val; replaces isoleucine 1366 with valine.
Molecular consequence: missense variant.
Genome position (GRCh38, 1-based): chr6:38,828,196, A>G. VCF-style: chr6-38828196-A-G. GRCh37 (hg19) VCF-style: chr6-38795972-A-G.
Other names: c.3445A>G, p.Ile1149Val (NM_001371.4); short protein forms I1149V, I1366V.
Identifiers: ClinVar variation 2418747 (VCV002418747.14), dbSNP rs2532681222, ClinGen allele CA363997563.

ClinVar aggregate classification (germline): Uncertain significance (1 of 4 stars; one submission).

Conditions:
Primary ciliary dyskinesia. Also called: Ciliary dyskinesia. Identifiers: Orphanet 244, MedGen C0008780, MONDO:0016575, HP:0012265.

Allele frequency attached by ClinVar (database versions not stated): gnomAD exomes below 0.00001.
gnomAD v4.1: 3 of 1,591,744 alleles (0.00019%); highest among the groups gnomAD compares: Middle Eastern, 0.017%; no homozygotes.

Submission:

Labcorp Genetics (formerly Invitae), Labcorp
Classification: Uncertain significance for Primary ciliary dyskinesia. Last evaluated: 2022-03-15. Review status: criteria provided, single submitter. Criteria: Invitae Variant Classification Sherloc (09022015). Collection method: clinical testing. Allele origin: germline.
Comment: In summary, the available evidence is currently insufficient to determine the role of this variant in disease. Therefore, it has been classified as a Variant of Uncertain Significance. Algorithms developed to predict the effect of missense changes on protein structure and function are either unavailable or do not agree on the potential impact of this missense change (SIFT: "Deleterious"; PolyPhen-2: "Not Available"; Align-GVGD: "Class C0"). This variant has not been reported in the literature in individuals affected with DNAH8-related conditions. This variant is not present in population databases (gnomAD no frequency). This sequence change replaces isoleucine, which is neutral and non-polar, with valine, which is neutral and non-polar, at codon 1366 of the DNAH8 protein (p.Ile1366Val).